The following is an entry in ClinVar:

ClinVar aggregate classification (germline): Uncertain significance (1 of 4 stars; one submission).

Submission:

Ambry Genetics
Classification: Uncertain significance. Last evaluated: 2025-03-17. Review status: criteria provided, single submitter. Criteria: Ambry Variant Classification Scheme 2023. Collection method: clinical testing. Allele origin: germline.
Comment: The p.A39S variant (also known as c.115G>T), located in coding exon 1 of the GALNT12 gene, results from a G to T substitution at nucleotide position 115. The alanine at codon 39 is replaced by serine, an amino acid with similar properties. This amino acid position is conserved. In addition, this alteration is predicted to be tolerated by in silico analysis. Based on the available evidence, the clinical significance of this variant remains unclear.

NM_024642.5(GALNT12):c.115G>T (p.Ala39Ser)

Gene: GALNT12 (polypeptide N-acetylgalactosaminyltransferase 12; plus strand). Cytogenetic location: 9q22.33.
Variant type: single nucleotide variant.
Coding change: c.115G>T on transcript NM_024642.5 (MANE Select); coding-DNA position 115, G replaced by T.
Protein change: p.Ala39Ser; replaces alanine 39 with serine.
Molecular consequence: missense variant.
Genome position (GRCh38, 1-based): chr9:98,807,813, G>T. VCF-style: chr9-98807813-G-T. GRCh37 (hg19) VCF-style: chr9-101570095-G-T.
Other names: short protein forms A39S.
Identifiers: ClinVar variation 4027992 (VCV004027992.1).